The following is an entry in ClinVar:

ClinVar aggregate classification (germline): Uncertain significance (1 of 4 stars; one submission).

Conditions:
Cardiovascular phenotype. Identifiers: MedGen CN230736.

Submission:

Ambry Genetics
Classification: Uncertain significance for Cardiovascular phenotype. Last evaluated: 2024-05-02. Review status: criteria provided, single submitter. Criteria: Ambry Variant Classification Scheme 2023. Collection method: clinical testing. Allele origin: germline.
Comment: The p.H480Y variant (also known as c.1438C>T), located in coding exon 8 of the SNTA1 gene, results from a C to T substitution at nucleotide position 1438. The histidine at codon 480 is replaced by tyrosine, an amino acid with similar properties. This amino acid position is conserved. In addition, the in silico prediction for this alteration is inconclusive. Based on the available evidence, the clinical significance of this variant remains unclear.

NM_003098.3(SNTA1):c.1438C>T (p.His480Tyr)

Gene: SNTA1 (syntrophin alpha 1; minus strand). Cytogenetic location: 20q11.21.
Variant type: single nucleotide variant.
Coding change: c.1438C>T on transcript NM_003098.3 (MANE Select); coding-DNA position 1438, C replaced by T.
Protein change: p.His480Tyr; replaces histidine 480 with tyrosine.
Molecular consequence: missense variant. On other transcripts: synonymous variant (1).
Genome position (GRCh38, 1-based): chr20:33,408,587, G>A on the plus strand (C>T on the coding strand, the complement: SNTA1 is on the minus strand). VCF-style: chr20-33408587-G-A. GRCh37 (hg19) VCF-style: chr20-31996393-G-A.
Other names: c.1435C>T, p.His479Tyr (NM_001424413.1); c.1470C>T, p.Cys490= (NM_001424414.1); short protein forms H480Y, H479Y.
Identifiers: ClinVar variation 3321212 (VCV003321212.1).